The following is an entry in ClinVar:

NM_020975.6(RET):c.2004C>T (p.Pro668=)

Gene: RET (ret proto-oncogene; plus strand). Cytogenetic location: 10q11.21.
Variant type: single nucleotide variant.
Coding change: c.2004C>T on transcript NM_020975.6 (MANE Select); coding-DNA position 2004, C replaced by T.
Protein change: p.Pro668=; no amino-acid change (proline 668 retained).
Molecular consequence: synonymous variant. On other transcripts: intron variant (4).
Genome position (GRCh38, 1-based): chr10:43,114,604, C>T. VCF-style: chr10-43114604-C-T. GRCh37 (hg19) VCF-style: chr10-43610052-C-T.
Other names: c.1242C>T, p.Pro414= (NM_001355216.2); c.2004C>T, p.Pro668= (NM_001406743.1, NM_001406744.1, NM_001406759.1 and 2 more transcripts); c.1875C>T, p.Pro625= (NM_001406761.1, NM_001406762.1, NM_001406764.1); c.1716C>T, p.Pro572= (NM_001406766.1, NM_001406767.1, NM_001406770.1); c.1608C>T, p.Pro536= (NM_001406769.1, NM_001406772.1); c.1566C>T, p.Pro522= (NM_001406771.1, NM_001406773.1); c.1479C>T, p.Pro493= (NM_001406774.1); c.1278C>T, p.Pro426= (NM_001406775.1, NM_001406776.1, NM_001406777.1 and 1 more transcripts); and 10 more.
Identifiers: ClinVar variation 4729426 (VCV004729426.1).

ClinVar aggregate classification (germline): Conflicting classifications of pathogenicity. Review status: criteria provided, conflicting classifications (1 of 4 stars). 2 submissions from 2 submitters: Uncertain significance (1); Likely benign (1). Last evaluated 2025-10-18.

Conditions:
Multiple endocrine neoplasia, type 2 (MEN2). Identifiers: Orphanet 653, MedGen C4048306, MONDO:0019003. Disease mechanism: gain of function.

gnomAD v4.1: 1 of 1,613,190 alleles (0.000062%); highest among the groups gnomAD compares: East Asian, 0.0022%; no homozygotes.

Submissions (2):

Labcorp Genetics (formerly Invitae), Labcorp
Classification: Likely benign for Multiple endocrine neoplasia, type 2. Last evaluated: 2025-10-18. Review status: criteria provided, single submitter. Criteria: Invitae Variant Classification Sherloc (09022015). Collection method: clinical testing. Allele origin: germline.

Color Diagnostics, LLC DBA Color Health
Classification: Uncertain significance for Multiple endocrine neoplasia, type 2. Last evaluated: 2025-07-17. Review status: criteria provided, single submitter. Criteria: ACMG Guidelines, 2015. Collection method: clinical testing. Allele origin: germline.
Comment: This variant is located in the RET protein. To our knowledge, functional studies have not been reported for this variant. This variant has not been reported in individuals affected with RET-related disorders in the literature. This variant has not been identified in the general population by the Genome Aggregation Database (gnomAD). The available evidence is insufficient to determine the role of this variant in disease conclusively. Therefore, this variant is classified as a Variant of Uncertain Significance.